The following is an entry in ClinVar:

NM_000465.4(BARD1):c.1054G>T (p.Val352Leu)

Gene: BARD1 (BRCA1 associated RING domain 1; minus strand). Cytogenetic location: 2q35.
Variant type: single nucleotide variant.
Coding change: c.1054G>T on transcript NM_000465.4 (MANE Select); coding-DNA position 1054, G replaced by T.
Protein change: p.Val352Leu; replaces valine 352 with leucine.
Molecular consequence: missense variant. On other transcripts: non-coding transcript variant (2), intron variant (3).
Genome position (GRCh38, 1-based): chr2:214,780,820, C>A on the plus strand (G>T on the coding strand, the complement: BARD1 is on the minus strand). VCF-style: chr2-214780820-C-A. GRCh37 (hg19) VCF-style: chr2-215645544-C-A.
Other names: c.997G>T, p.Val333Leu (NM_001282543.2); c.159-28265G>T (NM_001282548.2); c.215+16241G>T (NM_001282545.2); c.364+11477G>T (NM_001282549.2); short protein forms V352L, V333L.
Identifiers: ClinVar variation 530027 (VCV000530027.14), dbSNP rs587782475, ClinGen allele CA350454147.

ClinVar aggregate classification (germline): Uncertain significance. Review status: criteria provided, multiple submitters, no conflicts (2 of 4 stars). 2 submissions from 2 submitters: Uncertain significance (2). Last evaluated 2025-07-27.

Conditions:
Familial cancer of breast. Also called: BREAST CANCER, FAMILIAL; Hereditary breast cancer; hereditary breast carcinoma. Identifiers: Orphanet 227535, MedGen C0346153, MONDO:0016419, OMIM 114480. Disease mechanism: loss of function.
Hereditary cancer-predisposing syndrome. Also called: Hereditary neoplastic syndrome; Neoplastic Syndromes, Hereditary; Hereditary Cancer Syndrome; Tumor predisposition. Identifiers: Orphanet 140162, MedGen C0027672, MeSH D009386, MONDO:0015356.

gnomAD v4.1: 3 of 1,614,066 alleles (0.00019%); highest among the groups gnomAD compares: African/African-American, 0.0027%; no homozygotes.

Submissions (2):

Labcorp Genetics (formerly Invitae), Labcorp
Classification: Uncertain significance for Familial cancer of breast. Last evaluated: 2025-07-27. Review status: criteria provided, single submitter. Criteria: Invitae Variant Classification Sherloc (09022015). Collection method: clinical testing. Allele origin: germline.
Comment: This sequence change replaces valine, which is neutral and non-polar, with leucine, which is neutral and non-polar, at codon 352 of the BARD1 protein (p.Val352Leu). This variant is not present in population databases (gnomAD no frequency). This variant has not been reported in the literature in individuals affected with BARD1-related conditions. ClinVar contains an entry for this variant (Variation ID: 530027). An algorithm developed to predict the effect of missense changes on protein structure and function outputs the following: PolyPhen-2: "Benign". The leucine amino acid residue is found in multiple mammalian species, which suggests that this missense change does not adversely affect protein function. In summary, the available evidence is currently insufficient to determine the role of this variant in disease. Therefore, it has been classified as a Variant of Uncertain Significance.

Ambry Genetics
Classification: Uncertain significance for Hereditary cancer-predisposing syndrome. Last evaluated: 2022-05-04. Review status: criteria provided, single submitter. Criteria: Ambry Variant Classification Scheme 2023. Collection method: clinical testing. Allele origin: germline.
Comment: The p.V352L variant (also known as c.1054G>T), located in coding exon 4 of the BARD1 gene, results from a G to T substitution at nucleotide position 1054. The valine at codon 352 is replaced by leucine, an amino acid with highly similar properties. This amino acid position is conserved. In addition, this alteration is predicted to be tolerated by in silico analysis. Since supporting evidence is limited at this time, the clinical significance of this alteration remains unclear.